The following is an entry in ClinVar:

NM_001127222.2(CACNA1A):c.6371C>T (p.Ser2124Leu)

Gene: CACNA1A (calcium voltage-gated channel subunit alpha1 A; minus strand). Cytogenetic location: 19p13.13.
Variant type: single nucleotide variant.
Coding change: c.6371C>T on transcript NM_001127222.2 (MANE Select); coding-DNA position 6371, C replaced by T.
Protein change: p.Ser2124Leu; replaces serine 2124 with leucine.
Molecular consequence: missense variant.
Genome position (GRCh38, 1-based): chr19:13,209,467, G>A on the plus strand (C>T on the coding strand, the complement: CACNA1A is on the minus strand). VCF-style: chr19-13209467-G-A. GRCh37 (hg19) VCF-style: chr19-13320281-G-A.
Other names: p.Ser2125Leu; c.6389C>T, p.Ser2130Leu (NM_000068.4, NM_023035.3); c.6374C>T, p.Ser2125Leu (NM_001127221.2); c.6380C>T, p.Ser2127Leu (NM_001174080.2); short protein forms S2124L, S2125L, S2127L, S2130L.
Identifiers: ClinVar variation 3380588 (VCV003380588.1).
Genomic context (GRCh38, chr19:13,209,467, plus strand): 5'-GGGACCCGCTCCAGCGAGTAATCGTCCAGGCGTCGGGCCTTGGGGCCCAGCACGGAGGCT[G>A]AACGCTTCATGGGGCTGGTGTCTGAGATGGTCTGGGGGAGGGGACAGGCCGGTGGGCTGG-3'
Protein context (NP_001120694.1, residues 2114-2134): TISDTSPMKR[Ser2124Leu]ASVLGPKARR

ClinVar aggregate classification (germline): Uncertain significance (1 of 4 stars; one submission).

Submission:

Mayo Clinic Laboratories, Mayo Clinic
Classification: Uncertain significance. Last evaluated: 2024-06-04. Review status: criteria provided, single submitter. Criteria: ACMG Guidelines, 2015. Collection method: clinical testing. Allele origin: germline. Observed: 1 variant allele.
Comment: PP2, PM2